The following is an entry in ClinVar:

ClinVar aggregate classification (germline): Uncertain significance (1 of 4 stars; one submission).

Conditions:
Inborn genetic diseases. Identifiers: MedGen C0950123, MeSH D030342.

gnomAD v4.1: 1 of 1,614,148 alleles (0.000062%); highest among the groups gnomAD compares: African/African-American, 0.0013%; no homozygotes.

Submission:

Ambry Genetics
Classification: Uncertain significance for Inborn genetic diseases. Last evaluated: 2025-06-28. Review status: criteria provided, single submitter. Criteria: Ambry Variant Classification Scheme 2023. Collection method: clinical testing. Allele origin: germline.
Comment: The p.K185E variant (also known as c.553A>G), located in coding exon 4 of the SBDS gene, results from an A to G substitution at nucleotide position 553. The lysine at codon 185 is replaced by glutamic acid, an amino acid with similar properties. This amino acid position is conserved. In addition, the in silico prediction for this alteration is inconclusive. Based on the available evidence, the clinical significance of this variant remains unclear.

NM_016038.4(SBDS):c.553A>G (p.Lys185Glu)

Gene: SBDS (SBDS ribosome maturation factor; minus strand). Cytogenetic location: 7q11.21.
Variant type: single nucleotide variant.
Coding change: c.553A>G on transcript NM_016038.4 (MANE Select); coding-DNA position 553, A replaced by G.
Protein change: p.Lys185Glu; replaces lysine 185 with glutamic acid.
Molecular consequence: missense variant.
Genome position (GRCh38, 1-based): chr7:66,991,208, T>C on the plus strand (A>G on the coding strand, the complement: SBDS is on the minus strand). VCF-style: chr7-66991208-T-C. GRCh37 (hg19) VCF-style: chr7-66456195-T-C.
Other names: short protein forms K185E.
Identifiers: ClinVar variation 4159800 (VCV004159800.1).